The following is an entry in ClinVar:

ClinVar aggregate classification (germline): Likely pathogenic. Review status: criteria provided, multiple submitters, no conflicts (2 of 4 stars). 2 submissions from 2 submitters: Likely pathogenic (2). Last evaluated 2023-10-18.

Conditions:
Primary ciliary dyskinesia. Also called: Ciliary dyskinesia. Identifiers: Orphanet 244, MedGen C0008780, MONDO:0016575, HP:0012265.

Allele frequency attached by ClinVar (database versions not stated): gnomAD exomes 0.00001 and 0.00002.

Submissions (2):

Labcorp Genetics (formerly Invitae), Labcorp
Classification: Likely pathogenic for Primary ciliary dyskinesia. Last evaluated: 2023-10-18. Review status: criteria provided, single submitter. Criteria: Invitae Variant Classification Sherloc (09022015). Collection method: clinical testing. Allele origin: germline.
Comment: This sequence change affects the initiator methionine of the DNAH11 mRNA. The next in-frame methionine is located at codon 68. This variant is present in population databases (no rsID available, gnomAD 0.002%). Disruption of the initiator codon has been observed in individual(s) with primary ciliary dyskinesia (Invitae). ClinVar contains an entry for this variant (Variation ID: 444714). In summary, the currently available evidence indicates that the variant is pathogenic, but additional data are needed to prove that conclusively. Therefore, this variant has been classified as Likely Pathogenic.

CeGaT Center for Human Genetics Tuebingen
Classification: Likely pathogenic. Last evaluated: 2017-03-01. Review status: criteria provided, single submitter. Criteria: CeGaT Center For Human Genetics Tuebingen Variant Classification Criteria Version 2. Collection method: clinical testing. Allele origin: germline. Affected: yes. Observed: 1 variant allele.

NM_001277115.2(DNAH11):c.2T>G (p.Met1Arg)

Gene: DNAH11 (dynein axonemal heavy chain 11; plus strand). Cytogenetic location: 7p15.3.
Variant type: single nucleotide variant.
Coding change: c.2T>G on transcript NM_001277115.2 (MANE Select); coding-DNA position 2, T replaced by G.
Protein change: p.Met1Arg; changes the start codon (methionine 1).
Molecular consequence: missense variant, initiator codon variant.
Genome position (GRCh38, 1-based): chr7:21,543,247, T>G. VCF-style: chr7-21543247-T-G. GRCh37 (hg19) VCF-style: chr7-21582865-T-G.
Other names: short protein forms M1R.
Identifiers: ClinVar variation 444714 (VCV000444714.47), dbSNP rs1355068287, ClinGen allele CA366930944.